The following is an entry in ClinVar:

NM_170682.4(P2RX2):c.1057G>C (p.Gly353Arg)

Gene: P2RX2 (purinergic receptor P2X 2; plus strand). Cytogenetic location: 12q24.33.
Variant type: single nucleotide variant.
Coding change: c.1057G>C on transcript NM_170682.4 (MANE Select); coding-DNA position 1057, G replaced by C.
Protein change: p.Gly353Arg; replaces glycine 353 with arginine.
Molecular consequence: missense variant. On other transcripts: 3 prime UTR variant (1).
Genome position (GRCh38, 1-based): chr12:132,621,535, G>C. VCF-style: chr12-132621535-G-C. GRCh37 (hg19) VCF-style: chr12-133198121-G-C.
Other names: P2RX2, GLY353ARG; c.955G>C, p.Gly319Arg (NM_001282164.2); c.*26G>C (NM_001282165.2); c.841G>C, p.Gly281Arg (NM_012226.5); c.985G>C, p.Gly329Arg (NM_016318.4); c.1057G>C, p.Gly353Arg (NM_170683.4, NM_174873.3); c.781G>C, p.Gly261Arg (NM_174872.3); short protein forms G353R, G281R, G261R, G319R, G329R.
Identifiers: ClinVar variation 155763 (VCV000155763.6), dbSNP rs202138002, ClinGen allele CA170681.

ClinVar aggregate classification (germline): Pathogenic. Review status: criteria provided, single submitter (1 of 4 stars). 2 submissions from 2 submitters: Pathogenic (1). 1 of the submissions does not count toward it. Last evaluated 2024-02-20.

Conditions:
Autosomal dominant nonsyndromic hearing loss 41. Also called: Deafness, autosomal dominant 41. Identifiers: Orphanet 90635, MedGen C1842371, MONDO:0011994, OMIM 608224.

Submissions (2):

Labcorp Genetics (formerly Invitae), Labcorp
Classification: Pathogenic. Last evaluated: 2024-02-20. Review status: criteria provided, single submitter. Criteria: Invitae Variant Classification Sherloc (09022015). Collection method: clinical testing. Allele origin: germline.
Comment: This sequence change replaces glycine, which is neutral and non-polar, with arginine, which is basic and polar, at codon 353 of the P2RX2 protein (p.Gly353Arg). This variant is not present in population databases (gnomAD no frequency). This missense change has been observed in individual(s) with autosomal dominant deafness (PMID: 24211385). It has also been observed to segregate with disease in related individuals. ClinVar contains an entry for this variant (Variation ID: 155763). Advanced modeling of protein sequence and biophysical properties (such as structural, functional, and spatial information, amino acid conservation, physicochemical variation, residue mobility, and thermodynamic stability) performed at Invitae indicates that this missense variant is expected to disrupt P2RX2 protein function with a positive predictive value of 80%. Experimental studies have shown that this missense change affects P2RX2 function (PMID: 31636190). For these reasons, this variant has been classified as Pathogenic.

OMIM
Classification: Pathogenic for DEAFNESS, AUTOSOMAL DOMINANT 41. Last evaluated: 2014-01-25. Review status: no assertion criteria provided. Collection method: literature only. Allele origin: germline. Not counted in ClinVar's aggregate classification.

Literature cited by the submitters: PubMed 24211385 (cited by Labcorp Genetics (formerly Invitae), Labcorp and OMIM); PubMed 31636190 (cited by Labcorp Genetics (formerly Invitae), Labcorp).